The following is an entry in ClinVar:

ClinVar aggregate classification (germline): Benign (1 of 4 stars; one submission).

Allele frequency attached by ClinVar (database versions not stated): 1000 Genomes Project 30x 0.33182; 1000 Genomes Project 0.33387; TOPMed 0.34972; gnomAD 0.37806.
gnomAD v4.1: 54,877 of 152,164 alleles (36%); highest among the groups gnomAD compares: Non-Finnish European, 39%; 10,200 homozygotes.

Submission:

GeneDx
Classification: Benign. Last evaluated: 2018-06-14. Review status: criteria provided, single submitter. Criteria: GeneDx Variant Classification (06012015). Collection method: clinical testing. Allele origin: germline. Affected: yes.
Comment: This variant is considered likely benign or benign based on one or more of the following criteria: it is a conservative change, it occurs at a poorly conserved position in the protein, it is predicted to be benign by multiple in silico algorithms, and/or has population frequency not consistent with disease.

NM_002693.3(POLG):c.2426+281A>G

Genes: POLG (DNA polymerase gamma, catalytic subunit; minus strand), POLGARF (POLG alternative reading frame; minus strand). Cytogenetic location: 15q26.1.
Variant type: single nucleotide variant.
Coding change: c.2426+281A>G on transcript NM_002693.3 (MANE Select); 281 bases into the intron after coding-DNA position 2426, A replaced by G.
Molecular consequence: intron variant.
Genome position (GRCh38, 1-based): chr15:89,322,461, T>C on the plus strand (A>G on the coding strand, the complement: POLG is on the minus strand). VCF-style: chr15-89322461-T-C. GRCh37 (hg19) VCF-style: chr15-89865692-T-C.
Other names: c.2426+281A>G (NM_001126131.2).
Identifiers: ClinVar variation 680714 (VCV000680714.1), dbSNP rs3176205, ClinGen allele CA14089287.